The following is an entry in ClinVar:

ClinVar aggregate classification (germline): Uncertain significance (1 of 4 stars; one submission).

Conditions:
Endometrial carcinoma. Also called: Endometrial carcinoma, somatic. Identifiers: MedGen C0476089, MONDO:0002447, OMIM 608089, HP:0012114.

Allele frequency attached by ClinVar (database versions not stated): ExAC 0.00001.

Submission:

Neuberg Centre For Genomic Medicine, NCGM
Classification: Uncertain significance for Endometrial carcinoma. Review status: criteria provided, single submitter. Criteria: ACMG Guidelines, 2015. Collection method: clinical testing. Allele origin: germline. Inheritance: Autosomal dominant inheritance. Affected: yes.
Comment: The missense variant in c.132G>T (p.Arg44Ser) in MLH3 gene has not been reported previously as a pathogenic variant nor as a benign variant, to our knowledge. This variant has not been reported to the ClinVar database. This variant is reported with the allele frequency (0.0004%) in the gnomad and novel in 1000 genome database. The amino acid Arg at position 44 is changed to a Ser changing protein sequence and it might alter its composition and physicochemical properties. For these reasons, this variant has been classified as Uncertain Significance (VUS).

NM_001040108.2(MLH3):c.132G>T (p.Arg44Ser)

Gene: MLH3 (mutL homolog 3; minus strand). Cytogenetic location: 14q24.3.
Variant type: single nucleotide variant.
Coding change: c.132G>T on transcript NM_001040108.2 (MANE Select); coding-DNA position 132, G replaced by T.
Protein change: p.Arg44Ser; replaces arginine 44 with serine.
Molecular consequence: missense variant.
Genome position (GRCh38, 1-based): chr14:75,049,524, C>A on the plus strand (G>T on the coding strand, the complement: MLH3 is on the minus strand). VCF-style: chr14-75049524-C-A. GRCh37 (hg19) VCF-style: chr14-75516227-C-A.
Other names: c.132G>T, p.Arg44Ser (NM_014381.3); short protein forms R44S.
Identifiers: ClinVar variation 2585466 (VCV002585466.1), dbSNP rs752498783, ClinGen allele CA7276089.